The following is an entry in ClinVar:

ClinVar aggregate classification (germline): Conflicting classifications of pathogenicity. Review status: criteria provided, conflicting classifications (1 of 4 stars). 3 submissions from 3 submitters: Uncertain significance (1); Likely benign (1). 1 of the submissions does not count toward it. Last evaluated 2025-11-20.

Conditions:
PCNT-related disorder. Also called: PCNT-related condition.
Microcephalic osteodysplastic primordial dwarfism type II (MOPD2). Also called: Microcephalic osteodysplastic primordial dwarfism with tooth abnormalities; MOPD II; OSTEODYSPLASTIC PRIMORDIAL DWARFISM, TYPE II. Identifiers: Orphanet 2637, MedGen C0432246, MONDO:0008872, OMIM 210720.

Allele frequency attached by ClinVar (database versions not stated): gnomAD exomes 0.00001 and 0.00002; gnomAD 0.00003; TOPMed 0.00005.
gnomAD v4.1: 15 of 1,614,028 alleles (0.00093%); highest among the groups gnomAD compares: Middle Eastern, 0.016%; no homozygotes.

Submissions (3):

Labcorp Genetics (formerly Invitae), Labcorp
Classification: Likely benign. Last evaluated: 2025-11-20. Review status: criteria provided, single submitter. Criteria: Invitae Variant Classification Sherloc (09022015). Collection method: clinical testing. Allele origin: germline.

Genetic Services Laboratory, University of Chicago
Classification: Uncertain significance for Microcephalic osteodysplastic primordial dwarfism, type II. Last evaluated: 2013-02-08. Review status: criteria provided, single submitter. Criteria: ACMG Guidelines, 2007. Collection method: clinical testing. Allele origin: germline. Inheritance: Autosomal recessive inheritance.

PreventionGenetics, part of Exact Sciences
Classification: Likely benign for PCNT-related condition. Last evaluated: 2023-08-10. Review status: no assertion criteria provided. Collection method: clinical testing. Allele origin: germline. Not counted in ClinVar's aggregate classification.
Comment: This variant is classified as likely benign based on ACMG/AMP sequence variant interpretation guidelines (Richards et al. 2015 PMID: 25741868, with internal and published modifications).

NM_006031.6(PCNT):c.339T>A (p.Pro113=)

Gene: PCNT (pericentrin; plus strand). Cytogenetic location: 21q22.3.
Variant type: single nucleotide variant.
Coding change: c.339T>A on transcript NM_006031.6 (MANE Select); coding-DNA position 339, T replaced by A.
Protein change: p.Pro113=; no amino-acid change (proline 113 retained).
Molecular consequence: synonymous variant. On other transcripts: 5 prime UTR variant (1).
Genome position (GRCh38, 1-based): chr21:46,334,468, T>A. VCF-style: chr21-46334468-T-A. GRCh37 (hg19) VCF-style: chr21-47754382-T-A.
Other names: c.-16T>A (NM_001315529.2).
Identifiers: ClinVar variation 159587 (VCV000159587.11), dbSNP rs59662841, ClinGen allele CA251052.
Genomic context (GRCh38, chr21:46,334,468, plus strand): 5'-TGATGGAGAGAAGAGAGAGGACTTGGAACAGCTGCAGCAGAAGCAAGTCAATGACCATCC[T>A]CCAGAGCAGTGTGGGATGTTCACAGTCAGTGACCACCCACCAGAACAGCATGGGATGTTC-3'
Protein context (NP_006022.3, residues 103-123): QLQQKQVNDH[Pro113=]PEQCGMFTVS